The following is an entry in ClinVar:

NM_001009944.3(PKD1):c.539A>G (p.Tyr180Cys)

Gene: PKD1 (polycystin 1, transient receptor potential channel interacting; minus strand). Cytogenetic location: 16p13.3.
Variant type: single nucleotide variant.
Coding change: c.539A>G on transcript NM_001009944.3 (MANE Select); coding-DNA position 539, A replaced by G.
Protein change: p.Tyr180Cys; replaces tyrosine 180 with cysteine.
Molecular consequence: missense variant.
Genome position (GRCh38, 1-based): chr16:2,118,453, T>C on the plus strand (A>G on the coding strand, the complement: PKD1 is on the minus strand). VCF-style: chr16-2118453-T-C. GRCh37 (hg19) VCF-style: chr16-2168454-T-C.
Other names: c.539A>G, p.Tyr180Cys (NM_000296.4); short protein forms Y180C.
Identifiers: ClinVar variation 2502057 (VCV002502057.1), dbSNP rs2544881154, ClinGen allele CA394395100.

ClinVar aggregate classification (germline): Uncertain significance (1 of 4 stars; one submission).

Submission:

GeneDx
Classification: Uncertain significance. Last evaluated: 2022-11-11. Review status: criteria provided, single submitter. Criteria: GeneDx Variant Classification Process June 2021. Collection method: clinical testing. Allele origin: germline. Affected: yes.
Comment: Not observed at significant frequency in large population cohorts (gnomAD); In silico analysis supports that this missense variant has a deleterious effect on protein structure/function; Has not been previously published as pathogenic or benign to our knowledge